The following is an entry in ClinVar:

ClinVar aggregate classification (germline): Uncertain significance. Review status: criteria provided, multiple submitters, no conflicts (2 of 4 stars). 2 submissions from 2 submitters: Uncertain significance (2). Last evaluated 2025-04-14.

Conditions:
Hereditary cancer-predisposing syndrome. Also called: Tumor predisposition; Neoplastic Syndromes, Hereditary; Hereditary Cancer Syndrome; Hereditary neoplastic syndrome. Identifiers: Orphanet 140162, MedGen C0027672, MeSH D009386, MONDO:0015356.
POLD1-related polyposis and colorectal cancer syndrome (CRCS10). Also called: Colorectal cancer 10; COLORECTAL CANCER, SUSCEPTIBILITY TO, ON CHROMOSOME 19q; Colorectal cancer, susceptibility to, 10. Identifiers: Orphanet 220460, MedGen C2675481, MONDO:0012953, OMIM 612591.

gnomAD v4.1: 3 of 1,612,050 alleles (0.00019%); highest among the groups gnomAD compares: Non-Finnish European, 0.00017%; no homozygotes.

Submissions (2):

Ambry Genetics
Classification: Uncertain significance for Hereditary cancer-predisposing syndrome. Last evaluated: 2025-04-14. Review status: criteria provided, single submitter. Criteria: Ambry Variant Classification Scheme 2023. Collection method: clinical testing. Allele origin: germline.
Comment: The p.G113W variant (also known as c.337G>T), located in coding exon 3 of the POLD1 gene, results from a G to T substitution at nucleotide position 337. The glycine at codon 113 is replaced by tryptophan, an amino acid with highly dissimilar properties. This amino acid position is conserved. In addition, this alteration is predicted to be tolerated by in silico analysis. Based on the available evidence, the clinical significance of this variant remains unclear.

Labcorp Genetics (formerly Invitae), Labcorp
Classification: Uncertain significance for POLD1-related polyposis and colorectal cancer syndrome. Last evaluated: 2022-06-07. Review status: criteria provided, single submitter. Criteria: Invitae Variant Classification Sherloc (09022015). Collection method: clinical testing. Allele origin: germline.
Comment: This sequence change replaces glycine, which is neutral and non-polar, with tryptophan, which is neutral and slightly polar, at codon 113 of the POLD1 protein (p.Gly113Trp). This variant is not present in population databases (gnomAD no frequency). This variant has not been reported in the literature in individuals affected with POLD1-related conditions. Algorithms developed to predict the effect of missense changes on protein structure and function output the following: SIFT: "Deleterious"; PolyPhen-2: "Benign"; Align-GVGD: "Class C0". The tryptophan amino acid residue is found in multiple mammalian species, which suggests that this missense change does not adversely affect protein function. In summary, the available evidence is currently insufficient to determine the role of this variant in disease. Therefore, it has been classified as a Variant of Uncertain Significance.

NM_002691.4(POLD1):c.337G>T (p.Gly113Trp)

Gene: POLD1 (DNA polymerase delta 1, catalytic subunit; plus strand). Cytogenetic location: 19q13.33.
Variant type: single nucleotide variant.
Coding change: c.337G>T on transcript NM_002691.4 (MANE Select); coding-DNA position 337, G replaced by T.
Protein change: p.Gly113Trp; replaces glycine 113 with tryptophan.
Molecular consequence: missense variant. On other transcripts: non-coding transcript variant (1).
Genome position (GRCh38, 1-based): chr19:50,401,798, G>T. VCF-style: chr19-50401798-G-T. GRCh37 (hg19) VCF-style: chr19-50905055-G-T.
Other names: c.337G>T (NM_002691.2); c.337G>T, p.Gly113Trp (NM_001256849.1, NM_001308632.1); short protein forms G113W.
Identifiers: ClinVar variation 2112805 (VCV002112805.5), dbSNP rs1568618739, ClinGen allele CA406972137.